The following is an entry in ClinVar:

NM_206933.4(USH2A):c.5176G>T (p.Glu1726Ter)

Genes: USH2A (usherin; minus strand), USH2A-AS2 (USH2A antisense RNA 2; plus strand). Cytogenetic location: 1q41.
Variant type: single nucleotide variant.
Coding change: c.5176G>T on transcript NM_206933.4 (MANE Select); coding-DNA position 5176, G replaced by T.
Protein change: p.Glu1726Ter; replaces glutamic acid 1726 with a stop codon.
Molecular consequence: nonsense.
Genome position (GRCh38, 1-based): chr1:216,083,578, C>A on the plus strand (G>T on the coding strand, the complement: USH2A is on the minus strand). VCF-style: chr1-216083578-C-A. GRCh37 (hg19) VCF-style: chr1-216256920-C-A.
Other names: short protein forms E1726*.
Identifiers: ClinVar variation 4720783 (VCV004720783.1).

ClinVar aggregate classification (germline): Pathogenic (1 of 4 stars; one submission).

Submission:

Labcorp Genetics (formerly Invitae), Labcorp
Classification: Pathogenic. Last evaluated: 2025-06-04. Review status: criteria provided, single submitter. Criteria: Invitae Variant Classification Sherloc (09022015). Collection method: clinical testing. Allele origin: germline.
Comment: This sequence change creates a premature translational stop signal (p.Glu1726*) in the USH2A gene. It is expected to result in an absent or disrupted protein product. Loss-of-function variants in USH2A are known to be pathogenic (PMID: 10729113, 10909849, 20507924, 25649381). This variant is not present in population databases (gnomAD no frequency). This variant has not been reported in the literature in individuals affected with USH2A-related conditions. Algorithms developed to predict the effect of sequence changes on RNA splicing suggest that this variant may disrupt the consensus splice site. For these reasons, this variant has been classified as Pathogenic.

Literature cited by the submitters: PubMed 10729113; PubMed 10909849; PubMed 20507924; PubMed 25649381.